The following is an entry in ClinVar:

ClinVar aggregate classification (germline): Uncertain significance. Review status: criteria provided, multiple submitters, no conflicts (2 of 4 stars). 6 submissions from 6 submitters: Uncertain significance (6). Last evaluated 2026-08-24.

Conditions:
Hereditary nonpolyposis colorectal neoplasms. Identifiers: MedGen C0009405, MeSH D003123.
PMS2-related disorder. Also called: PMS2-related condition.
Hereditary cancer-predisposing syndrome. Also called: Neoplastic Syndromes, Hereditary; Tumor predisposition; Hereditary Cancer Syndrome; Hereditary neoplastic syndrome. Identifiers: Orphanet 140162, MedGen C0027672, MeSH D009386, MONDO:0015356.
Lynch syndrome 4 (LYNCH4). Also called: Colorectal cancer, hereditary nonpolyposis, type 4; Hereditary non-polyposis colorectal cancer, type 4. Identifiers: Orphanet 144, MedGen C1838333, MONDO:0013699, OMIM 614337. Disease mechanism: loss of function.

Allele frequency attached by ClinVar (database versions not stated): gnomAD exomes below 0.00001 and 0.00001; gnomAD 0.00001; ExAC 0.00002; 1000 Genomes Project 30x 0.00031; 1000 Genomes Project 0.00040.
gnomAD v4.1: 8 of 1,605,950 alleles (0.0005%); highest among the groups gnomAD compares: Admixed American, 0.013%; 1 homozygote.

Submissions (6):

PreventionGenetics, part of Exact Sciences
Classification: Uncertain significance for PMS2-related condition. Last evaluated: 2026-08-24. Review status: criteria provided, single submitter. Criteria: ACMG Guidelines, 2015. Collection method: clinical testing. Allele origin: germline.
Comment: The PMS2 c.2359A>T variant is predicted to result in the amino acid substitution p.Ile787Phe. To our knowledge, this variant has not been reported in the literature. It is reported in 0.0087% of alleles in individuals of Latino descent in gnomAD and is classified as uncertain in ClinVar (Variation ID: 233208). At this time, the clinical significance of this variant is uncertain due to the absence of conclusive functional and genetic evidence.

Labcorp Genetics (formerly Invitae), Labcorp
Classification: Uncertain significance for Hereditary nonpolyposis colorectal neoplasms. Last evaluated: 2025-12-03. Review status: criteria provided, single submitter. Criteria: Invitae Variant Classification Sherloc (09022015). Collection method: clinical testing. Allele origin: germline.
Comment: This sequence change replaces isoleucine, which is neutral and non-polar, with phenylalanine, which is neutral and non-polar, at codon 787 of the PMS2 protein (p.Ile787Phe). The frequency data for this variant in the population databases (gnomAD) is considered unreliable due to the presence of homologous sequence, such as pseudogenes or paralogs, in the genome. This variant has not been reported in the literature in individuals affected with PMS2-related conditions. ClinVar contains an entry for this variant (Variation ID: 233208). Invitae Evidence Modeling incorporating data from in vitro experimental studies (internal data) indicates that this missense variant is not expected to disrupt PMS2 function with a negative predictive value of 95%. In summary, the available evidence is currently insufficient to determine the role of this variant in disease. Therefore, it has been classified as a Variant of Uncertain Significance.

Ambry Genetics
Classification: Uncertain significance for Hereditary cancer-predisposing syndrome. Last evaluated: 2025-05-28. Review status: criteria provided, single submitter. Criteria: Ambry Variant Classification Scheme 2023. Collection method: clinical testing. Allele origin: germline.
Comment: The p.I787F variant (also known as c.2359A>T), located in coding exon 14 of the PMS2 gene, results from an A to T substitution at nucleotide position 2359. The isoleucine at codon 787 is replaced by phenylalanine, an amino acid with highly similar properties. This variant was detected in 2 patients meeting at least relaxed operational diagnostic criteria of the International Cowden Consortium; however, specific phenotypic information was not provided (Lee YR et al. N Engl J Med, 2020 05;382:2103-2116). This amino acid position is well conserved in available vertebrate species. In addition, the in silico prediction for this alteration is inconclusive. Based on the available evidence, the clinical significance of this variant remains unclear.

Baylor Genetics
Classification: Uncertain significance for Lynch syndrome 4. Last evaluated: 2023-08-23. Review status: criteria provided, single submitter. Criteria: ACMG Guidelines, 2015. Collection method: clinical testing. Allele origin: unknown.

Quest Diagnostics Nichols Institute San Juan Capistrano
Classification: Uncertain significance. Last evaluated: 2022-12-14. Review status: criteria provided, single submitter. Criteria: Quest Diagnostics criteria. Collection method: clinical testing. Allele origin: unknown.
Comment: The variant has not been reported in the published literature. The frequency of this variant in the general population, 0.000087 (3/34576 chromosomes), is uninformative in assessment of its pathogenicity. Analysis of this variant using bioinformatics tools for the prediction of the effect of amino acid changes on protein structure and function yielded predictions that this variant is damaging. Based on the available information, we are unable to determine the clinical significance of this variant.

Sema4
Classification: Uncertain significance for Hereditary cancer-predisposing syndrome. Last evaluated: 2022-01-07. Review status: criteria provided, single submitter. Criteria: Sema4 Curation Guidelines. Collection method: curation. Allele origin: germline.
Comment: The PMS2 c.2359A>T (p.I787F) variant has not been reported in the literature to our knowledge. It was observed in 3/34576 chromosomes of the Latino/Admixed American subpopulation in the large and broad cohorts of the Genome Aggregation Database (PMID: 32461654). This variant has been reported in ClinVar (Variation ID 233208). In silico tools suggest the impact of the variant on protein function is deleterious, though these predictions have not been confirmed by functional studies. The evidence is insufficient to meet ACMG/AMP criteria for classifying the variant as benign or pathogenic. Thus, the clinical significance of this variant is currently uncertain.

Literature cited by the submitters: PubMed 32459922 (cited by Ambry Genetics).

NM_000535.7(PMS2):c.2359A>T (p.Ile787Phe)

Gene: PMS2 (PMS1 homolog 2, mismatch repair system component; minus strand). Cytogenetic location: 7p22.1.
Variant type: single nucleotide variant.
Coding change: c.2359A>T on transcript NM_000535.7 (MANE Select); coding-DNA position 2359, A replaced by T.
Protein change: p.Ile787Phe; replaces isoleucine 787 with phenylalanine.
Molecular consequence: missense variant. On other transcripts: non-coding transcript variant (1).
Genome position (GRCh38, 1-based): chr7:5,977,674, T>A on the plus strand (A>T on the coding strand, the complement: PMS2 is on the minus strand). VCF-style: chr7-5977674-T-A. GRCh37 (hg19) VCF-style: chr7-6017305-T-A.
Other names: c.1954A>T, p.Ile652Phe (NM_001322003.2, NM_001322004.2, NM_001322005.2); c.2203A>T, p.Ile735Phe (NM_001322006.2); c.2041A>T, p.Ile681Phe (NM_001322007.2, NM_001322008.2); c.1987A>T, p.Ile663Phe (NM_001322009.2); c.1798A>T, p.Ile600Phe (NM_001322010.2); c.1426A>T, p.Ile476Phe (NM_001322011.2, NM_001322012.2); c.1786A>T, p.Ile596Phe (NM_001322013.2); c.2392A>T, p.Ile798Phe (NM_001322014.2); and 1 more; short protein forms I787F, I652F, I663F, I735F, I798F, I681F, I684F, I476F.
Identifiers: ClinVar variation 233208 (VCV000233208.20), dbSNP rs191300933, ClinGen allele CA047864.